The following is an entry in ClinVar:

NM_000094.4(COL7A1):c.8117del (p.Pro2706fs)

Gene: COL7A1 (collagen type VII alpha 1 chain; minus strand). Cytogenetic location: 3p21.31.
Variant type: Deletion.
Coding change: c.8117del on transcript NM_000094.4 (MANE Select); coding-DNA position 8117, one base deleted (C; older notation c.8117delC).
Protein change: p.Pro2706fs; shifts the reading frame from proline 2706.
Molecular consequence: frameshift variant.
Genome position (GRCh38, 1-based): chr3:48,567,016, G deleted on the plus strand (C on the coding strand, the reverse complement: COL7A1 is on the minus strand); the first of 4 consecutive G bases (chr3:48,567,016-48,567,019); deleting any one gives the same sequence. VCF-style (leftmost placement, unchanged base first): chr3-48567015-TG-T. GRCh37 (hg19) VCF-style: chr3-48604448-TG-T.
Other names: short protein forms P2706fs.
Identifiers: ClinVar variation 1333254 (VCV001333254.1), dbSNP rs34040119, ClinGen allele CA2573052189.
Genomic context (GRCh38, chr3:48,567,015, plus strand): 5'-TGGCCCTGGGGGACCAGCAGAGCCATCATTTCCACTGGGGCCTGGGAAGCCCCCAATTCC[TG>T]GGGTTCCCTGGGGAGATATAGGACAGAGTCAGTAATCAGAGGCCCCAGAGATGGACCCTC-3'

ClinVar aggregate classification (germline): Pathogenic (1 of 4 stars; one submission).

Conditions:
Recessive dystrophic epidermolysis bullosa (RDEB). Also called: DYSTROPHIC EPIDERMOLYSIS BULLOSA, AUTOSOMAL RECESSIVE; EPIDERMOLYSIS BULLOSA DYSTROPHICA, HALLOPEAU-SIEMENS TYPE; EPIDERMOLYSIS BULLOSA DYSTROPHICA, GENERALIZED SEVERE, AUTOSOMAL RECESSIVE; Hallopeau-Siemens Disease; Epidermolysis Bullosa Distrophica Autosomal Recessive (RDEB); epidermolysis bullosa dystrophica, autosomal recessive. Identifiers: Orphanet 79408, Orphanet 79409, MedGen C0079474, MONDO:0009179, OMIM 226600.

Submission:

3billion
Classification: Pathogenic for Recessive dystrophic epidermolysis bullosa. Last evaluated: 2022-01-03. Review status: criteria provided, single submitter. Criteria: ACMG Guidelines, 2015. Collection method: clinical testing. Allele origin: germline. Affected: yes. Observed: 1 homozygote.
Comment: Frameshift: predicted to result in a loss or disruption of normal protein function through nonsense-mediated decay (NMD) or protein truncation. Multiple pathogenic variants are reported downstream of the variant (PVS1_VS).The variant has been reported to be associated with COL7A1 related disorder (PMID:16271705). It is not observed in the gnomAD v2.1.1 dataset (PM2_M). Therefore, this variant is classified as pathogenic according to the recommendation of ACMG/AMP guideline.

Literature cited by the submitters: PubMed 16271705.